The following is an entry in ClinVar:

NM_001365951.3(KIF1B):c.2205A>G (p.Glu735=)

Gene: KIF1B (kinesin family member 1B; plus strand). Cytogenetic location: 1p36.22.
Variant type: single nucleotide variant.
Coding change: c.2205A>G on transcript NM_001365951.3 (MANE Select); coding-DNA position 2205, A replaced by G.
Protein change: p.Glu735=; no amino-acid change (glutamic acid 735 retained).
Molecular consequence: synonymous variant.
Genome position (GRCh38, 1-based): chr1:10,320,132, A>G. VCF-style: chr1-10320132-A-G. GRCh37 (hg19) VCF-style: chr1-10380190-A-G.
Other names: c.2205A>G, p.Glu735= (NM_001365952.1); c.2067A>G, p.Glu689= (NM_015074.3).
Identifiers: ClinVar variation 1785299 (VCV001785299.5), dbSNP rs766964585, ClinGen allele CA581466.

ClinVar aggregate classification (germline): Conflicting classifications of pathogenicity. Review status: criteria provided, conflicting classifications (1 of 4 stars). 2 submissions from 2 submitters: Uncertain significance (1); Likely benign (1). Last evaluated 2024-11-04.

Conditions:
Charcot-Marie-Tooth disease type 2. Also called: Charcot-Marie-Tooth type 2. Identifiers: Orphanet 64746, MedGen C0270914, MONDO:0018993.

Allele frequency attached by ClinVar (database versions not stated): TOPMed 0.00001; ExAC 0.00001; gnomAD 0.00001.
gnomAD v4.1: 2 of 1,610,446 alleles (0.00012%); highest among the groups gnomAD compares: African/African-American, 0.0013%; no homozygotes.

Submissions (2):

Labcorp Genetics (formerly Invitae), Labcorp
Classification: Likely benign for Charcot-Marie-Tooth disease type 2. Last evaluated: 2024-11-04. Review status: criteria provided, single submitter. Criteria: Invitae Variant Classification Sherloc (09022015). Collection method: clinical testing. Allele origin: germline.

Ambry Genetics
Classification: Uncertain significance. Last evaluated: 2024-05-31. Review status: criteria provided, single submitter. Criteria: Ambry Variant Classification Scheme 2023. Collection method: clinical testing. Allele origin: germline.
Comment: The c.2067A>G variant (also known as p.E689E), located in coding exon 20 of the KIF1B gene, results from an A to G substitution at nucleotide position 2067. This nucleotide substitution does not change the glutamic acid at codon 689. This nucleotide position is not well conserved in available vertebrate species. In silico splice site analysis for this alteration is inconclusive. The evidence for this gene-disease relationship is limited; therefore, the clinical significance of this alteration is unclear.